The following is an entry in ClinVar:

NM_152384.3(BBS5):c.689G>A (p.Gly230Glu)

Gene: BBS5 (Bardet-Biedl syndrome 5; plus strand). Cytogenetic location: 2q31.1.
Variant type: single nucleotide variant.
Coding change: c.689G>A on transcript NM_152384.3 (MANE Select); coding-DNA position 689, G replaced by A.
Protein change: p.Gly230Glu; replaces glycine 230 with glutamic acid.
Molecular consequence: missense variant.
Genome position (GRCh38, 1-based): chr2:169,499,493, G>A. VCF-style: chr2-169499493-G-A. GRCh37 (hg19) VCF-style: chr2-170356003-G-A.
Other names: short protein forms G230E.
Identifiers: ClinVar variation 971578 (VCV000971578.9), dbSNP rs1683759336, ClinGen allele CA349166965.

ClinVar aggregate classification (germline): Uncertain significance (1 of 4 stars; one submission).

Conditions:
Bardet-Biedl syndrome (BBS). Identifiers: Orphanet 110, MedGen C0752166, MONDO:0015229.

Allele frequency attached by ClinVar (database versions not stated): gnomAD exomes below 0.00001.
gnomAD v4.1: 3 of 1,613,152 alleles (0.00019%); highest among the groups gnomAD compares: South Asian, 0.0011%; no homozygotes.

Submission:

Labcorp Genetics (formerly Invitae), Labcorp
Classification: Uncertain significance for Bardet-Biedl syndrome. Last evaluated: 2019-11-16. Review status: criteria provided, single submitter. Criteria: Invitae Variant Classification Sherloc (09022015). Collection method: clinical testing. Allele origin: germline.
Comment: This sequence change replaces glycine with glutamic acid at codon 230 of the BBS5 protein (p.Gly230Glu). The glycine residue is highly conserved and there is a moderate physicochemical difference between glycine and glutamic acid. This variant is not present in population databases (ExAC no frequency). This variant has not been reported in the literature in individuals with BBS5-related conditions. Algorithms developed to predict the effect of missense changes on protein structure and function are either unavailable or do not agree on the potential impact of this missense change (SIFT: "Tolerated"; PolyPhen-2: "Probably Damaging"; Align-GVGD: "Class C0"). In summary, the available evidence is currently insufficient to determine the role of this variant in disease. Therefore, it has been classified as a Variant of Uncertain Significance.